The following is an entry in ClinVar:

NM_180989.6(GPR180):c.1155A>G (p.Gln385=)

Gene: GPR180 (G protein-coupled receptor 180; plus strand). Cytogenetic location: 13q32.1.
Variant type: single nucleotide variant.
Coding change: c.1155A>G on transcript NM_180989.6 (MANE Select); coding-DNA position 1155, A replaced by G.
Protein change: p.Gln385=; no amino-acid change (glutamine 385 retained).
Molecular consequence: synonymous variant.
Genome position (GRCh38, 1-based): chr13:94,626,034, A>G. VCF-style: chr13-94626034-A-G. GRCh37 (hg19) VCF-style: chr13-95278288-A-G.
Identifiers: ClinVar variation 3034012 (VCV003034012.2), dbSNP rs181046554, ClinGen allele CA7018563.

ClinVar aggregate classification (germline): Likely benign (0 of 4 stars; one submission).

Conditions:
GPR180-related disorder. Also called: GPR180-related condition.

Allele frequency attached by ClinVar (database versions not stated): gnomAD exomes 0.00007; TOPMed 0.00008; gnomAD 0.00013; ExAC 0.00017; 1000 Genomes Project 0.00060; 1000 Genomes Project 30x 0.00078.
gnomAD v4.1: 144 of 1,608,058 alleles (0.009%); highest among the groups gnomAD compares: East Asian, 0.21%; 1 homozygote.

Submission:

PreventionGenetics, part of Exact Sciences
Classification: Likely benign for GPR180-related condition. Last evaluated: 2019-06-12. Review status: no assertion criteria provided. Collection method: clinical testing. Allele origin: germline.
Comment: This variant is classified as likely benign based on ACMG/AMP sequence variant interpretation guidelines (Richards et al. 2015 PMID: 25741868, with internal and published modifications).